The following is an entry in ClinVar:

NM_000384.3(APOB):c.13034T>C (p.Phe4345Ser)

Gene: APOB (apolipoprotein B; minus strand). Cytogenetic location: 2p24.1.
Variant type: single nucleotide variant.
Coding change: c.13034T>C on transcript NM_000384.3 (MANE Select); coding-DNA position 13034, T replaced by C.
Protein change: p.Phe4345Ser; replaces phenylalanine 4345 with serine.
Molecular consequence: missense variant.
Genome position (GRCh38, 1-based): chr2:21,002,388, A>G on the plus strand (T>C on the coding strand, the complement: APOB is on the minus strand). VCF-style: chr2-21002388-A-G. GRCh37 (hg19) VCF-style: chr2-21225260-A-G.
Other names: short protein forms F4345S.
Identifiers: ClinVar variation 3384388 (VCV003384388.1).

ClinVar aggregate classification (germline): Uncertain significance (1 of 4 stars; one submission).

gnomAD v4.1: 8 of 1,601,200 alleles (0.0005%); highest among the groups gnomAD compares: South Asian, 0.009%; no homozygotes.

Submission:

GeneDx
Classification: Uncertain significance. Last evaluated: 2024-06-04. Review status: criteria provided, single submitter. Criteria: GeneDx Variant Classification Process June 2021. Collection method: clinical testing. Allele origin: germline. Affected: yes.
Comment: Not observed at significant frequency in large population cohorts (gnomAD); In silico analysis supports that this missense variant has a deleterious effect on protein structure/function; Has not been previously published as pathogenic or benign to our knowledge